The following is an entry in ClinVar:

ClinVar aggregate classification (germline): Uncertain significance (1 of 4 stars; one submission).

Conditions:
Cardiomyopathy (CMYO). Also called: Cardiomyopathies. Identifiers: Orphanet 167848, MedGen C0878544, MONDO:0004994, HP:0001638. Inheritance: Various modes of inheritance.

Submission:

Color Diagnostics, LLC DBA Color Health
Classification: Uncertain significance for Cardiomyopathy. Last evaluated: 2022-12-05. Review status: criteria provided, single submitter. Criteria: ACMG Guidelines, 2015. Collection method: clinical testing. Allele origin: germline.
Comment: This missense variant replaces proline with serine at codon 2454 of the RYR2 protein. Computational prediction suggests that this variant may have deleterious impact on protein structure and function (internally defined REVEL score threshold >= 0.7, PMID: 27666373). To our knowledge, functional studies have not been reported for this variant. This variant has not been reported in individuals affected with RYR2-related disorders in the literature. This variant has not been identified in the general population by the Genome Aggregation Database (gnomAD). The available evidence is insufficient to determine the role of this variant in disease conclusively. Therefore, this variant is classified as a Variant of Uncertain Significance.

NM_001035.3(RYR2):c.7360C>T (p.Pro2454Ser)

Gene: RYR2 (ryanodine receptor 2; plus strand). Cytogenetic location: 1q43.
Variant type: single nucleotide variant.
Coding change: c.7360C>T on transcript NM_001035.3 (MANE Select); coding-DNA position 7360, C replaced by T.
Protein change: p.Pro2454Ser; replaces proline 2454 with serine.
Molecular consequence: missense variant.
Genome position (GRCh38, 1-based): chr1:237,648,461, C>T. VCF-style: chr1-237648461-C-T. GRCh37 (hg19) VCF-style: chr1-237811761-C-T.
Other names: short protein forms P2454S.
Identifiers: ClinVar variation 2774326 (VCV002774326.2), dbSNP rs1682394014, ClinGen allele CA345398026.
Genomic context (GRCh38, chr1:237,648,461, plus strand): 5'-TATGACACAGCCATTGACACCAAAATTCACTTCTCTCTTTTAGATGGGAATGTGGTGGAA[C>T]CTGACATGTCTGCGGGGTTTTGCCCAGATCACAAGGCAGCCATGGTTTTATTCCTTGACA-3'
Protein context (NP_001026.2, residues 2444-2464): TIAKDGNVVE[Pro2454Ser]DMSAGFCPDH